The following is an entry in ClinVar:

ClinVar aggregate classification (germline): Conflicting classifications of pathogenicity. Review status: criteria provided, conflicting classifications (1 of 4 stars). 5 submissions from 5 submitters: Uncertain significance (1); Benign (2); Likely benign (2). Last evaluated 2026-03-04.

Conditions:
Hereditary cancer-predisposing syndrome. Also called: Tumor predisposition; Hereditary neoplastic syndrome; Hereditary Cancer Syndrome; Neoplastic Syndromes, Hereditary. Identifiers: Orphanet 140162, MedGen C0027672, MeSH D009386, MONDO:0015356.
Tuberous sclerosis syndrome (TSC). Also called: Tuberous Sclerosis Complex; Tuberous sclerosis. Identifiers: Orphanet 805, MedGen C0041341, MONDO:0001734.
Tuberous sclerosis 2 (TSC2). Identifiers: Orphanet 805, MedGen C1860707, MONDO:0013199, OMIM 613254.

Allele frequency attached by ClinVar (database versions not stated): gnomAD exomes below 0.00001.

Submissions (5):

Ambry Genetics
Classification: Likely benign for Hereditary cancer-predisposing syndrome. Last evaluated: 2026-03-04. Review status: criteria provided, single submitter. Criteria: Ambry Variant Classification Scheme 2023. Collection method: clinical testing. Allele origin: germline.

Labcorp Genetics (formerly Invitae), Labcorp
Classification: Benign for Tuberous sclerosis 2. Last evaluated: 2025-10-18. Review status: criteria provided, single submitter. Criteria: Invitae Variant Classification Sherloc (09022015). Collection method: clinical testing. Allele origin: germline.

All of Us Research Program, National Institutes of Health
Classification: Uncertain significance for Tuberous sclerosis syndrome. Last evaluated: 2023-05-31. Review status: criteria provided, single submitter. Criteria: ACMG Guidelines, 2015. Collection method: clinical testing. Allele origin: germline. Inheritance: Autosomal dominant inheritance. Observed: 1 variant allele, 1 heterozygote.
Comment: This study involves interpretation of variants in research participants for the purpose of population health screening. Participant phenotype was not available at the time of variant classification. Additional details can be found in publication PMID: 35346344, PMCID: PMC8962531

GeneDx
Classification: Likely benign. Last evaluated: 2023-01-23. Review status: criteria provided, single submitter. Criteria: GeneDx Variant Classification Process June 2021. Collection method: clinical testing. Allele origin: germline. Affected: yes.
Comment: See Variant Classification Assertion Criteria.

Genome-Nilou Lab
Classification: Benign for Tuberous sclerosis 2. Last evaluated: 2021-11-07. Review status: criteria provided, single submitter. Criteria: ACMG Guidelines, 2015. Collection method: clinical testing. Allele origin: germline. Affected: no.

NM_000548.5(TSC2):c.5342C>T (p.Pro1781Leu)

Gene: TSC2 (TSC complex subunit 2; plus strand). Cytogenetic location: 16p13.3.
Variant type: single nucleotide variant.
Coding change: c.5342C>T on transcript NM_000548.5 (MANE Select); coding-DNA position 5342, C replaced by T.
Protein change: p.Pro1781Leu; replaces proline 1781 with leucine.
Molecular consequence: missense variant.
Genome position (GRCh38, 1-based): chr16:2,088,528, C>T. VCF-style: chr16-2088528-C-T. GRCh37 (hg19) VCF-style: chr16-2138529-C-T.
Other names: c.5141C>T, p.Pro1714Leu (NM_001077183.3); c.5273C>T, p.Pro1758Leu (NM_001114382.3); c.5033C>T, p.Pro1678Leu (NM_001318827.2); c.4997C>T, p.Pro1666Leu (NM_001318829.2); c.4610C>T, p.Pro1537Leu (NM_001318831.2); c.5174C>T, p.Pro1725Leu (NM_001318832.2); c.5144C>T, p.Pro1715Leu (NM_001363528.2); c.5210C>T, p.Pro1737Leu (NM_001370404.1); and 2 more; short protein forms P1781L, P1537L, P1758L, P1714L, P1678L, P1715L, P1725L, P1734L.
Identifiers: ClinVar variation 238085 (VCV000238085.24), dbSNP rs878854119, ClinGen allele CA10583347.
Genomic context (GRCh38, chr16:2,088,528, plus strand): 5'-CCAACCCCAGCCTACCTCTGGTGCACCCTCCGTCCCATAGCAAAGCCCCTGCACAGACTC[C>T]AGCCGAGCCCACACCTGGCTATGAGGTGGGCCAGCGGAAGCGCCTCATCTCCTCGGTGGA-3'
Protein context (NP_000539.2, residues 1771-1791): PSHSKAPAQT[Pro1781Leu]AEPTPGYEVG